The following is an entry in ClinVar:

NM_000053.4(ATP7B):c.2297C>T (p.Thr766Met)

Gene: ATP7B (ATPase copper transporting beta; minus strand). Cytogenetic location: 13q14.3.
Variant type: single nucleotide variant.
Coding change: c.2297C>T on transcript NM_000053.4 (MANE Select); coding-DNA position 2297, C replaced by T.
Protein change: p.Thr766Met; replaces threonine 766 with methionine.
Molecular consequence: missense variant. On other transcripts: intron variant (2).
Genome position (GRCh38, 1-based): chr13:51,958,369, G>A on the plus strand (C>T on the coding strand, the complement: ATP7B is on the minus strand). VCF-style: chr13-51958369-G-A. GRCh37 (hg19) VCF-style: chr13-52532505-G-A.
Other names: c.1964C>T, p.Thr655Met (NM_001243182.2); c.2045C>T, p.Thr682Met (NM_001330579.2); c.1870-762C>T (NM_001005918.3); c.2122-762C>T (NM_001330578.2); short protein forms T766M, T655M, T682M.
Identifiers: ClinVar variation 633064 (VCV000633064.58), dbSNP rs121907997, ClinGen allele CA6989069.

ClinVar aggregate classification (germline): Pathogenic/Likely pathogenic. Review status: criteria provided, multiple submitters, no conflicts (2 of 4 stars). 15 submissions from 15 submitters: Pathogenic (4); Likely pathogenic (11). Last evaluated 2026-07-30.

Conditions:
Wilson disease (WND). Also called: Wilson's disease. Identifiers: Orphanet 905, MedGen C0019202, MONDO:0010200, OMIM 277900. Disease mechanism: loss of function.
ATP7B-related disorder. Also called: ATP7B-related condition.

Allele frequency attached by ClinVar (database versions not stated): ExAC 0.00001; gnomAD 0.00001; TOPMed 0.00002.
gnomAD v4.1: 41 of 1,614,070 alleles (0.0025%); highest among the groups gnomAD compares: East Asian, 0.0045%; no homozygotes.

Submissions 1 to 6 of 15:

PreventionGenetics, part of Exact Sciences
Classification: Likely pathogenic for ATP7B-related condition. Last evaluated: 2026-07-30. Review status: criteria provided, single submitter. Criteria: ACMG Guidelines, 2015. Collection method: clinical testing. Allele origin: germline.
Comment: The ATP7B c.2297C>T variant is predicted to result in the amino acid substitution p.Thr766Met. This variant has been reported in both the homozygous state and compound heterozygous state in multiple individuals with Wilson disease (see for examples: Poon et al. 2015. PubMed ID: 26483271; Singh et al. 2019. PubMed ID: 31059521; Table S4, Zhang et al. 2022. PubMed ID: 35220961; Wang et al. 2023. PubMed ID: 37020998; Kulkarni et al. 2025. PubMed ID: 40761701). This variant is reported in 0.010% of alleles in individuals of East Asian descent in gnomAD, and has been consistently classified as pathogenic/likely pathogenic by several submitters to the ClinVar database (Variation ID: 633064). Additionally, an alternate missense change impacting the same amino acid (p.Thr766Arg) has been reported in individuals with Wilson disease, suggesting the p.Thr766 residue is important for ATP7B function (Couchonnal et al. 2021. PubMed ID: 34400371). Taken together, the c.2297C>T (p.Thr766Met) variant is interpreted as likely pathogenic.

Labcorp Genetics (formerly Invitae), Labcorp
Classification: Pathogenic for Wilson disease. Last evaluated: 2025-12-29. Review status: criteria provided, single submitter. Criteria: Invitae Variant Classification Sherloc (09022015). Collection method: clinical testing. Allele origin: germline.
Comment: This sequence change replaces threonine, which is neutral and polar, with methionine, which is neutral and non-polar, at codon 766 of the ATP7B protein (p.Thr766Met). This variant is present in population databases (rs121907997, gnomAD 0.01%). This missense change has been observed in individual(s) with Wilson disease (PMID: 16088907, 24094725, 26483271, 27022412, 29321352, 29930488, 31059521, 33763395). In at least one individual the data is consistent with being in trans (on the opposite chromosome) from a pathogenic variant. ClinVar contains an entry for this variant (Variation ID: 633064). Invitae Evidence Modeling of protein sequence and biophysical properties (such as structural, functional, and spatial information, amino acid conservation, physicochemical variation, residue mobility, and thermodynamic stability) indicates that this missense variant is expected to disrupt ATP7B protein function with a positive predictive value of 80%. This variant disrupts the p.Thr766 amino acid residue in ATP7B. Other variant(s) that disrupt this residue have been determined to be pathogenic (PMID: 15557537, 21956287). This suggests that this residue is clinically significant, and that variants that disrupt this residue are likely to be disease-causing. For these reasons, this variant has been classified as Pathogenic.

Natera, Inc.
Classification: Likely pathogenic for Wilson disease. Last evaluated: 2025-11-25. Review status: criteria provided, single submitter. Criteria: Natera Variant Classification Schema (03/2026). Collection method: clinical testing. Allele origin: germline.
Comment: The c.2297C>T variant in ATP7B is a missense variant predicted to cause substitution of threonine to methionine at amino acid 766. This variant is rare in the general population with a frequency below the threshold expected for the associated phenotype(s). This variant has been observed in one or more individuals affected with the associated recessive disease, as either homozygous or compound heterozygous with a second variant (PMID: 17629589, 30232804, 33763395, 37020998). This variant has been found together with another disease-causing variant in the same copy of the gene (PMID: 31059521). A different variant at the same position has been determined to be Pathogenic or Likely Pathogenic. Computational prediction algorithms indicate this variant is likely to affect gene or protein function. Given the available evidence, this variant is classified as Likely Pathogenic.

Color Diagnostics, LLC DBA Color Health
Classification: Likely pathogenic for Wilson disease. Last evaluated: 2025-06-02. Review status: criteria provided, single submitter. Criteria: ACMG Guidelines, 2015. Collection method: clinical testing. Allele origin: germline.
Comment: This missense variant replaces threonine with methionine at codon 766 of the ATP7B protein. Computational prediction suggests that this variant may have deleterious impact on protein structure and function. To our knowledge, functional studies have not been reported for this variant. This variant has been observed in individuals affected with autosomal recessive Wilson disease and a number of these cases have been confirmed to be in the homozygous state or compound heterozygous state with a second pathogenic variant (PMID: 16088907, 24094725, 26483271, 27022412, 29321352, 29930488, 30232804, 31059521, 33763395, 34240825). A different variant affecting the same codon, c.2297C>G (p.Thr766Arg), is considered to be disease-causing (ClinVar Variation ID: 3861), suggesting that threonine at this position is important for protein function. This variant has been identified in 11/280966 chromosomes in the general population by the Genome Aggregation Database (gnomAD). Based on the available evidence, this variant is classified as Likely Pathogenic.

Variantyx, Inc.
Classification: Likely pathogenic for Wilson disease. Last evaluated: 2025-04-11. Review status: criteria provided, single submitter. Criteria: Variantyx Assertion Criteria 2022. Collection method: clinical testing. Allele origin: germline. Inheritance: Autosomal recessive inheritance. Affected: no.
Comment: This is a nonsynonymous variant in the ATP7B gene (OMIM: 606882). Pathogenic variants in this gene have been associated with autosomal recessive Wilson disease. This variant has been identified in the homozygous or compound heterozygous state in at least 3 individuals reported in the published literature (PMID: 33763395, 30232804, 26483271) (PM3). Multiple computational algorithms predict a deleterious effect for this variant (REVEL score: 0.938) (PP3), and two alternate amino acid changes at this position (p.Thr766Arg,p.Thr766Pro) have been previously reported in similarly affected individuals, which suggests that this residue is biologically important (PM5). This variant has a 0.0045% maximum allele frequency in non-founder control populations (PM2). Based on the current evidence, this variant is classified as likely pathogenic for autosomal recessive Wilson disease.

Women's Health and Genetics/Laboratory Corporation of America, LabCorp
Classification: Pathogenic for Wilson disease. Last evaluated: 2024-09-30. Review status: criteria provided, single submitter. Criteria: LabCorp Variant Classification Summary - May 2015. Collection method: clinical testing. Allele origin: germline.
Comment: Variant summary: ATP7B c.2297C>T (p.Thr766Met) results in a non-conservative amino acid change located in the Transmembrane domain 4 (Dong 2016) and Heavy metal associated domain (UMD) of the encoded protein sequence. Five of five in-silico tools predict a damaging effect of the variant on protein function. The variant allele was found at a frequency of 3.6e-05 in 250922 control chromosomes. c.2297C>T has been reported in the literature in multiple individuals affected with Wilson Disease, including as a compound heterozygous genotype (e.g. Ferenci_2019, Fang_2021, Zhang_2022), reported without specified second variant (e.g. Cox_2005, Mukherjee_2014, Dong_2016, Pham_2017, Shim_2018), or in homozygous siblings carrying an additional ATP7B missense variant (e.g. Singh_2019). These data indicate that the variant is likely to be associated with disease. A different variant affecting the same codon has been classified as pathogenic by our lab (c.2297C>G, p.Thr766Arg), supporting the critical relevance of codon 766 to ATP7B protein function. To our knowledge, no experimental evidence demonstrating an impact on protein function has been reported. The following publications have been ascertained in the context of this evaluation (PMID: 16088907, 27022412, 30232804, 24094725, 29321352, 29930488, 31059521, 35220961, 33763395). ClinVar contains an entry for this variant (Variation ID: 633064). Based on the evidence outlined above, the variant was classified as pathogenic.